The following is an entry in ClinVar:

ClinVar aggregate classification (germline): Uncertain significance (1 of 4 stars; one submission).

Conditions:
Amyotrophic lateral sclerosis type 1 (ALS1). Also called: AMYOTROPHIC LATERAL SCLEROSIS 1, FAMILIAL. Identifiers: Orphanet 803, MedGen C1862939, MONDO:0007103, OMIM 105400.
Neuronopathy, distal hereditary motor, type 7B. Also called: NEURONOPATHY, DISTAL HEREDITARY MOTOR, AUTOSOMAL DOMINANT 14; NEURONOPATHY, DISTAL HEREDITARY MOTOR, HARDING TYPE VIIB; NEUROPATHY, DISTAL HEREDITARY MOTOR, HARDING TYPE VIIB; NEUROPATHY, DISTAL HEREDITARY MOTOR, WITH VOCAL CORD PARALYSIS, HARDING TYPE VIIB; HMN VIIB; LOWER MOTOR NEURON DISEASE, DYNACTIN TYPE. Identifiers: Orphanet 139589, MedGen C1843315, MONDO:0011879, OMIM 607641.
Perry syndrome. Also called: PARKINSONISM WITH ALVEOLAR HYPOVENTILATION AND MENTAL DEPRESSION. Identifiers: Orphanet 178509, MedGen C1868594, MONDO:0008201, OMIM 168605.

Allele frequency attached by ClinVar (database versions not stated): ExAC 0.00001; gnomAD exomes 0.00001; TOPMed 0.00001.
gnomAD v4.1: 3 of 1,614,116 alleles (0.00019%); highest among the groups gnomAD compares: Admixed American, 0.0033%; no homozygotes.

Submission:

Labcorp Genetics (formerly Invitae), Labcorp
Classification: Uncertain significance for Amyotrophic lateral sclerosis type 1; Neuronopathy, distal hereditary motor, type 7B; Perry syndrome. Last evaluated: 2023-09-15. Review status: criteria provided, single submitter. Criteria: Invitae Variant Classification Sherloc (09022015). Collection method: clinical testing. Allele origin: germline.
Comment: In summary, the available evidence is currently insufficient to determine the role of this variant in disease. Therefore, it has been classified as a Variant of Uncertain Significance. Variants that disrupt the consensus splice site are a relatively common cause of aberrant splicing (PMID: 17576681, 9536098). Algorithms developed to predict the effect of sequence changes on RNA splicing suggest that this variant is not likely to affect RNA splicing. This sequence change falls in intron 10 of the DCTN1 gene. It does not directly change the encoded amino acid sequence of the DCTN1 protein. It affects a nucleotide within the consensus splice site. This variant is present in population databases (rs758988178, gnomAD 0.006%). This variant has not been reported in the literature in individuals affected with DCTN1-related conditions. ClinVar contains an entry for this variant (Variation ID: 1940088).

Literature cited by the submitters: PubMed 17576681; PubMed 9536098.

NM_004082.5(DCTN1):c.1048+6G>A

Gene: DCTN1 (dynactin subunit 1; minus strand). Cytogenetic location: 2p13.1.
Variant type: single nucleotide variant.
Coding change: c.1048+6G>A on transcript NM_004082.5 (MANE Select); 6 bases into the intron after coding-DNA position 1048, G replaced by A.
Molecular consequence: intron variant.
Genome position (GRCh38, 1-based): chr2:74,370,615, C>T on the plus strand (G>A on the coding strand, the complement: DCTN1 is on the minus strand). VCF-style: chr2-74370615-C-T. GRCh37 (hg19) VCF-style: chr2-74597742-C-T.
Other names: c.937+6G>A (NM_001190836.2); c.979+6G>A (NM_001378992.1); c.997+6G>A (NM_001378991.1); c.988+6G>A (NM_001135040.3); c.1027+6G>A (NM_001190837.2); c.646+6G>A (NM_001135041.3, NM_023019.4).
Identifiers: ClinVar variation 1940088 (VCV001940088.5), dbSNP rs758988178, ClinGen allele CA1722268.